The following is an entry in ClinVar:

ClinVar aggregate classification (germline): Conflicting classifications of pathogenicity. Review status: criteria provided, conflicting classifications (1 of 4 stars). 2 submissions from 2 submitters: Uncertain significance (1); Likely benign (1). Last evaluated 2024-02-05.

Allele frequency attached by ClinVar (database versions not stated): ExAC 0.00001; gnomAD 0.00002; TOPMed 0.00002.
gnomAD v4.1: 17 of 1,498,280 alleles (0.0011%); highest among the groups gnomAD compares: Middle Eastern, 0.018%; no homozygotes.

Submissions (2):

Blueprint Genetics
Classification: Likely benign. Last evaluated: 2024-02-05. Review status: criteria provided, single submitter. Criteria: ACMG Guidelines, 2015. Collection method: clinical testing. Allele origin: germline.

Labcorp Genetics (formerly Invitae), Labcorp
Classification: Uncertain significance. Last evaluated: 2022-08-22. Review status: criteria provided, single submitter. Criteria: Invitae Variant Classification Sherloc (09022015). Collection method: clinical testing. Allele origin: germline.
Comment: In summary, the available evidence is currently insufficient to determine the role of this variant in disease. Therefore, it has been classified as a Variant of Uncertain Significance. Variants that disrupt the consensus splice site are a relatively common cause of aberrant splicing (PMID: 17576681, 9536098). Algorithms developed to predict the effect of sequence changes on RNA splicing suggest that this variant is not likely to affect RNA splicing. This variant has not been reported in the literature in individuals affected with KIF11-related conditions. This variant is present in population databases (rs751815162, gnomAD 0.002%). This sequence change falls in intron 9 of the KIF11 gene. It does not directly change the encoded amino acid sequence of the KIF11 protein. It affects a nucleotide within the consensus splice site.

Literature cited by the submitters: PubMed 17576681 (cited by Labcorp Genetics (formerly Invitae), Labcorp); PubMed 9536098 (cited by Labcorp Genetics (formerly Invitae), Labcorp).

NM_004523.4(KIF11):c.1128+5C>T

Gene: KIF11 (kinesin family member 11; plus strand). Cytogenetic location: 10q23.33.
Variant type: single nucleotide variant.
Coding change: c.1128+5C>T on transcript NM_004523.4 (MANE Select); 5 bases into the intron after coding-DNA position 1128, C replaced by T.
Molecular consequence: intron variant.
Genome position (GRCh38, 1-based): chr10:92,616,837, C>T. VCF-style: chr10-92616837-C-T. GRCh37 (hg19) VCF-style: chr10-94376594-C-T.
Identifiers: ClinVar variation 1931091 (VCV001931091.6), dbSNP rs751815162, ClinGen allele CA5604123.